The following is an entry in ClinVar:

NM_001278298.2(COL6A5):c.2006T>G (p.Val669Gly)

Gene: COL6A5 (collagen type VI alpha 5 chain; plus strand). Cytogenetic location: 3q22.1.
Variant type: single nucleotide variant.
Coding change: c.2006T>G on transcript NM_001278298.2 (MANE Select); coding-DNA position 2006, T replaced by G.
Protein change: p.Val669Gly; replaces valine 669 with glycine.
Molecular consequence: missense variant. On other transcripts: non-coding transcript variant (1).
Genome position (GRCh38, 1-based): chr3:130,388,724, T>G. VCF-style: chr3-130388724-T-G. GRCh37 (hg19) VCF-style: chr3-130107567-T-G.
Other names: c.2006T>G, p.Val669Gly (NM_153264.7); short protein forms V669G.
Identifiers: ClinVar variation 994186 (VCV000994186.33), dbSNP rs144238271, ClinGen allele CA2610873.
Genomic context (GRCh38, chr3:130,388,724, plus strand): 5'-TCTTCATGAAAAACCTGTTAACTAAAATTCAAATTGGTGCAGACAAAACCCAGATTGGTG[T>G]TGTTCAGTTCAGTGATAAAACTAAGGAAGAGTTCCAGCTTAATAGATATTTTACACAGCA-3'
Protein context (NP_001265227.1, residues 659-679): QIGADKTQIG[Val669Gly]VQFSDKTKEE

ClinVar aggregate classification (germline): Likely benign. Review status: criteria provided, multiple submitters, no conflicts (2 of 4 stars). 3 submissions from 3 submitters: Likely benign (3). Last evaluated 2026-06-01.

Allele frequency attached by ClinVar (database versions not stated): 1000 Genomes Project 0.00260; 1000 Genomes Project 30x 0.00281; ExAC 0.00336; TOPMed 0.00458; gnomAD 0.00530 and 0.00545; ESP Exome Variant Server 0.00635.
gnomAD v4.1: 9,390 of 1,551,298 alleles (0.61%); highest among the groups gnomAD compares: Non-Finnish European, 0.69%; 36 homozygotes.

Submissions (3):

CeGaT Center for Human Genetics Tuebingen
Classification: Likely benign. Last evaluated: 2026-06-01. Review status: criteria provided, single submitter. Criteria: CeGaT Center For Human Genetics Tuebingen Variant Classification Criteria Version 2. Collection method: clinical testing. Allele origin: germline. Affected: yes. Observed: 3 variant alleles.
Comment: COL6A5: BS2

ARUP Laboratories, Molecular Genetics and Genomics, ARUP Laboratories
Classification: Likely benign. Last evaluated: 2023-11-09. Review status: criteria provided, single submitter. Criteria: ARUP Molecular Germline Variant Investigation Process 2024. Collection method: clinical testing. Allele origin: germline.

Breakthrough Genomics
Classification: Likely benign. Review status: criteria provided, single submitter. Criteria: ACMG Guidelines, 2015. Collection method: not provided. Allele origin: germline. Inheritance: Unknown mechanism. Affected: yes.